The following is an entry in ClinVar:

NM_152515.5(CKAP2L):c.101C>T (p.Thr34Ile)

Gene: CKAP2L (cytoskeleton associated protein 2 like; minus strand). Cytogenetic location: 2q14.1.
Variant type: single nucleotide variant.
Coding change: c.101C>T on transcript NM_152515.5 (MANE Select); coding-DNA position 101, C replaced by T.
Protein change: p.Thr34Ile; replaces threonine 34 with isoleucine.
Molecular consequence: missense variant. On other transcripts: 5 prime UTR variant (1), non-coding transcript variant (1).
Genome position (GRCh38, 1-based): chr2:112,762,506, G>A on the plus strand (C>T on the coding strand, the complement: CKAP2L is on the minus strand). VCF-style: chr2-112762506-G-A. GRCh37 (hg19) VCF-style: chr2-113520083-G-A.
Other names: c.-336C>T (NM_001304361.2); short protein forms T34I.
Identifiers: ClinVar variation 2120590 (VCV002120590.4), dbSNP rs2467082695, ClinGen allele CA348299954.

ClinVar aggregate classification (germline): Uncertain significance (1 of 4 stars; one submission).

Submission:

Labcorp Genetics (formerly Invitae), Labcorp
Classification: Uncertain significance. Last evaluated: 2022-04-01. Review status: criteria provided, single submitter. Criteria: Invitae Variant Classification Sherloc (09022015). Collection method: clinical testing. Allele origin: germline.
Comment: This sequence change replaces threonine, which is neutral and polar, with isoleucine, which is neutral and non-polar, at codon 34 of the CKAP2L protein (p.Thr34Ile). This variant is not present in population databases (gnomAD no frequency). This variant has not been reported in the literature in individuals affected with CKAP2L-related conditions. Algorithms developed to predict the effect of missense changes on protein structure and function are either unavailable or do not agree on the potential impact of this missense change (SIFT: "Tolerated"; PolyPhen-2: "Possibly Damaging"; Align-GVGD: "Class C0"). In summary, the available evidence is currently insufficient to determine the role of this variant in disease. Therefore, it has been classified as a Variant of Uncertain Significance.